The following is an entry in ClinVar:

ClinVar aggregate classification (germline): Uncertain significance. Review status: criteria provided, multiple submitters, no conflicts (2 of 4 stars). 8 submissions from 8 submitters: Uncertain significance (7). 1 of the submissions does not count toward it. Last evaluated 2025-11-12.

Conditions:
Cardiomyopathy (CMYO). Also called: Cardiomyopathies. Identifiers: Orphanet 167848, MedGen C0878544, MONDO:0004994, HP:0001638. Inheritance: Various modes of inheritance.
Congenital heart disease (CHD). Identifiers: MedGen C0152021, MONDO:0005453. Disease mechanism: unknown.
Hypertrophic cardiomyopathy 10. Also called: MYL2-Related Familial Hypertrophic Cardiomyopathy; CARDIOMYOPATHY, HYPERTROPHIC, MID-LEFT VENTRICULAR CHAMBER TYPE, 2. Identifiers: MedGen C1834460, MONDO:0012112, OMIM 608758.
Primary familial hypertrophic cardiomyopathy (HCM). Identifiers: Orphanet 99739, MedGen C0949658, MeSH D024741, MONDO:0024573. Inheritance: Various modes of inheritance.
Cardiovascular phenotype. Identifiers: MedGen CN230736.
Hypertrophic cardiomyopathy. Also called: HYPERTROPHIC MYOCARDIOPATHY. Identifiers: Orphanet 217569, MedGen C0007194, MeSH D002312, MONDO:0005045, HP:0001639.

Allele frequency attached by ClinVar (database versions not stated): gnomAD 0.00002; gnomAD exomes 0.00002 and 0.00003; TOPMed 0.00002; ExAC 0.00004; ESP Exome Variant Server 0.00008.
gnomAD v4.1: 37 of 1,605,496 alleles (0.0023%); highest among the groups gnomAD compares: East Asian, 0.0045%; no homozygotes.

Submissions (8):

Ambry Genetics
Classification: Uncertain significance for Cardiovascular phenotype. Last evaluated: 2025-11-12. Review status: criteria provided, single submitter. Criteria: Ambry Variant Classification Scheme 2023. Collection method: clinical testing. Allele origin: germline.
Comment: The c.436G>A (p.V146M) alteration is located in exon 7 (coding exon 7) of the MYL2 gene. This alteration results from a G to A substitution at nucleotide position 436, causing the valine (V) at amino acid position 146 to be replaced by a methionine (M). Based on data from gnomAD, the A allele has an overall frequency of 0.004% (10/280354) total alleles studied. The highest observed frequency was 0.008% (10/126876) of European (non-Finnish) alleles. Based on insufficient or conflicting evidence, the clinical significance of this alteration remains unclear.

Labcorp Genetics (formerly Invitae), Labcorp
Classification: Uncertain significance for Hypertrophic cardiomyopathy 10. Last evaluated: 2025-11-12. Review status: criteria provided, single submitter. Criteria: Invitae Variant Classification Sherloc (09022015). Collection method: clinical testing. Allele origin: germline.
Comment: This sequence change replaces valine, which is neutral and non-polar, with methionine, which is neutral and non-polar, at codon 146 of the MYL2 protein (p.Val146Met). This variant is present in population databases (rs370075755, gnomAD 0.008%). This variant has not been reported in the literature in individuals affected with MYL2-related conditions. ClinVar contains an entry for this variant (Variation ID: 520474). An algorithm developed to predict the effect of missense changes on protein structure and function (PolyPhen-2) suggests that this variant is likely to be disruptive. Experimental studies have shown that this missense change affects MYL2 function (PMID: 35993536). In summary, the available evidence is currently insufficient to determine the role of this variant in disease. Therefore, it has been classified as a Variant of Uncertain Significance.

All of Us Research Program, National Institutes of Health
Classification: Uncertain significance for Hypertrophic cardiomyopathy. Last evaluated: 2024-08-13. Review status: criteria provided, single submitter. Criteria: ACMG Guidelines, 2015. Collection method: clinical testing. Allele origin: germline. Inheritance: Autosomal dominant inheritance. Observed: 8 variant alleles, 8 heterozygotes.
Comment: This missense variant replaces valine with methionine at codon 146 of the MYL2 protein. Computational prediction suggests that this variant may not impact protein structure and function (internally defined REVEL score threshold <= 0.5, PMID: 27666373). An experimental functional study in zebrafish has shown that this variant causes compromised cardiac development and structural disorders (PMID: 35993536). This variant has been reported in an individual affected with congenital heart disease, including coarctation of the aorta, ventricular septal defect, and mitral insufficiency (PMID: 35993536). This variant has been identified in 10/280354 chromosomes in the general population by the Genome Aggregation Database (gnomAD). The available evidence is insufficient to determine the role of this variant in disease conclusively. Therefore, this variant is classified as a Variant of Uncertain Significance.

This study involves interpretation of variants in research participants for the purpose of population health screening. Participant phenotype was not available at the time of variant classification. Additional details can be found in publication PMID: 35346344, PMCID: PMC8962531

Color Diagnostics, LLC DBA Color Health
Classification: Uncertain significance for Cardiomyopathy. Last evaluated: 2024-07-31. Review status: criteria provided, single submitter. Criteria: ACMG Guidelines, 2015. Collection method: clinical testing. Allele origin: germline.
Comment: This missense variant replaces valine with methionine at codon 146 of the MYL2 protein. Computational prediction suggests that this variant may not impact protein structure and function. A functional study in zebrafish has shown that this variant is associated with compromised cardiac development and structural disorders (PMID: 35993536). This variant has been reported in an individual affected with congenital heart disease, including coarctation of the aorta, ventricular septal defect, and mitral insufficiency (PMID: 35993536). This variant has been identified in 10/280354 chromosomes in the general population by the Genome Aggregation Database (gnomAD). The available evidence is insufficient to determine the role of this variant in disease conclusively. Therefore, this variant is classified as a Variant of Uncertain Significance.

Women's Health and Genetics/Laboratory Corporation of America, LabCorp
Classification: Uncertain significance. Last evaluated: 2024-06-19. Review status: criteria provided, single submitter. Criteria: LabCorp Variant Classification Summary - May 2015. Collection method: clinical testing. Allele origin: germline.
Comment: Variant summary: MYL2 c.436G>A (p.Val146Met) results in a conservative amino acid change located in the EF-hand domain (IPR002048) of the encoded protein sequence. Four of five in-silico tools predict a benign effect of the variant on protein function. The variant allele was found at a frequency of 2.8e-05 in 249038 control chromosomes. The available data on variant occurrences in the general population are insufficient to allow any conclusion about variant significance. c.436G>A has been reported in the literature in individuals affected with Cardiomyopathy (Zhang_2022). These report(s) do not provide unequivocal conclusions about association of the variant with Hypertrophic Cardiomyopathy. One publication reports experimental evidence evaluating an impact on protein function in zebrafish model and has shown that this variant causes defective cardiac development (Zhang_2022). The following publication have been ascertained in the context of this evaluation (PMID: 35993536). ClinVar contains an entry for this variant (Variation ID: 520474). Based on the evidence outlined above, the variant was classified as uncertain significance.

CHEO Genetics Diagnostic Laboratory, Children's Hospital of Eastern Ontario
Classification: Uncertain significance for Cardiomyopathy. Last evaluated: 2019-06-10. Review status: criteria provided, single submitter. Criteria: ACMG Guidelines, 2015. Collection method: clinical testing. Allele origin: germline.

Molecular Diagnostic Laboratory for Inherited Cardiovascular Disease, Montreal Heart Institute
Classification: Uncertain significance for Primary familial hypertrophic cardiomyopathy. Last evaluated: 2016-07-29. Review status: criteria provided, single submitter. Criteria: ACMG Guidelines, 2015. Collection method: clinical testing. Allele origin: germline. Affected: yes.

Hongyan Wang Laboratory, Fudan University
Classification: Pathogenic for Congenital heart disease. Review status: no assertion criteria provided. Collection method: case-control. Allele origin: unknown. Inheritance: Sporadic. Affected: yes. Not counted in ClinVar's aggregate classification.

Literature cited by the submitters: PubMed 35993536 (cited by 4 submitters).

NM_000432.4(MYL2):c.436G>A (p.Val146Met)

Gene: MYL2 (myosin light chain 2; minus strand). Cytogenetic location: 12q24.11.
Variant type: single nucleotide variant.
Coding change: c.436G>A on transcript NM_000432.4 (MANE Select); coding-DNA position 436, G replaced by A.
Protein change: p.Val146Met; replaces valine 146 with methionine.
Molecular consequence: missense variant.
Genome position (GRCh38, 1-based): chr12:110,911,142, C>T on the plus strand (G>A on the coding strand, the complement: MYL2 is on the minus strand). VCF-style: chr12-110911142-C-T. GRCh37 (hg19) VCF-style: chr12-111348946-C-T.
Other names: short protein forms V146M.
Identifiers: ClinVar variation 520474 (VCV000520474.24), dbSNP rs370075755, ClinGen allele CA043110.